The following is an entry in ClinVar:

ClinVar aggregate classification (germline): Likely benign (1 of 4 stars; one submission).

Conditions:
MELAS syndrome (MELAS). Also called: Juvenile myopathy, encephalopathy, lactic acidosis, stroke. Identifiers: Orphanet 550, MedGen C0162671, MONDO:0010789, OMIM 540000.

Submission:

Wong Mito Lab, Molecular and Human Genetics, Baylor College of Medicine
Classification: Likely benign for MELAS syndrome. Last evaluated: 2019-07-12. Review status: criteria provided, single submitter. Criteria: Modified ACMG Guidelines (Unpublished). Collection method: clinical testing. Allele origin: germline.
Comment: The NC_012920.1:m.15937A>T variant in MT-TT gene is interpreted to be a Likely Benign variant based on the modified ACMG guidelines (unpublished). This variant meets the following evidence codes reported in the guidelines: BS4, BP4

Literature cited by the submitters: PubMed 31965079.

NC_012920.1(MT-TT):m.15937A>T

Gene: MT-TT (mitochondrially encoded tRNA threonine; plus strand).
Variant type: single nucleotide variant.
Genome position: chrM-15937-A-T.
Identifiers: ClinVar variation 690246 (VCV000690246.1), dbSNP rs1603225605, ClinGen allele CA913175249.